The following is an entry in ClinVar:

ClinVar aggregate classification (germline): Uncertain significance (1 of 4 stars; one submission).

gnomAD v4.1: 12 of 1,614,088 alleles (0.00074%); highest among the groups gnomAD compares: Admixed American, 0.005%; no homozygotes.

Submission:

Labcorp Genetics (formerly Invitae), Labcorp
Classification: Uncertain significance. Last evaluated: 2025-08-20. Review status: criteria provided, single submitter. Criteria: Invitae Variant Classification Sherloc (09022015). Collection method: clinical testing. Allele origin: germline.
Comment: This sequence change replaces arginine, which is basic and polar, with histidine, which is basic and polar, at codon 460 of the KIF20A protein (p.Arg460His). This variant is present in population databases (no rsID available, gnomAD 0.006%). This variant has not been reported in the literature in individuals affected with KIF20A-related conditions. ClinVar contains an entry for this variant (Variation ID: 3625640). An algorithm developed to predict the effect of missense changes on protein structure and function (PolyPhen-2) suggests that this variant is likely to be disruptive. In summary, the available evidence is currently insufficient to determine the role of this variant in disease. Therefore, it has been classified as a Variant of Uncertain Significance.

NM_005733.3(KIF20A):c.1379G>A (p.Arg460His)

Gene: KIF20A (kinesin family member 20A; plus strand). Cytogenetic location: 5q31.2.
Variant type: single nucleotide variant.
Coding change: c.1379G>A on transcript NM_005733.3 (MANE Select); coding-DNA position 1379, G replaced by A.
Protein change: p.Arg460His; replaces arginine 460 with histidine.
Molecular consequence: missense variant.
Genome position (GRCh38, 1-based): chr5:138,184,265, G>A. VCF-style: chr5-138184265-G-A. GRCh37 (hg19) VCF-style: chr5-137519954-G-A.
Other names: short protein forms R460H.
Identifiers: ClinVar variation 3625640 (VCV003625640.2).